The following is an entry in ClinVar:

NM_014915.3(ANKRD26):c.469G>A (p.Glu157Lys)

Gene: ANKRD26 (ankyrin repeat domain containing 26; minus strand). Cytogenetic location: 10p12.1.
Variant type: single nucleotide variant.
Coding change: c.469G>A on transcript NM_014915.3 (MANE Select); coding-DNA position 469, G replaced by A.
Protein change: p.Glu157Lys; replaces glutamic acid 157 with lysine.
Molecular consequence: missense variant.
Genome position (GRCh38, 1-based): chr10:27,093,411, C>T on the plus strand (G>A on the coding strand, the complement: ANKRD26 is on the minus strand). VCF-style: chr10-27093411-C-T. GRCh37 (hg19) VCF-style: chr10-27382340-C-T.
Other names: c.469G>A, p.Glu157Lys (NM_001256053.2); short protein forms E157K.
Identifiers: ClinVar variation 4102937 (VCV004102937.1).

ClinVar aggregate classification (germline): Uncertain significance (1 of 4 stars; one submission).

Conditions:
Inborn genetic diseases. Identifiers: MedGen C0950123, MeSH D030342.

gnomAD v4.1: 1 of 1,614,176 alleles (0.000062%); highest among the groups gnomAD compares: Non-Finnish European, 0.000085%; no homozygotes.

Submission:

Ambry Genetics
Classification: Uncertain significance for Inborn genetic diseases. Last evaluated: 2025-06-23. Review status: criteria provided, single submitter. Criteria: Ambry Variant Classification Scheme 2023. Collection method: clinical testing. Allele origin: germline.
Comment: The p.E157K variant (also known as c.469G>A), located in coding exon 3 of the ANKRD26 gene, results from a G to A substitution at nucleotide position 469. The glutamic acid at codon 157 is replaced by lysine, an amino acid with similar properties. This amino acid position is conserved. In addition, this alteration is predicted to be tolerated by in silico analysis. Based on the available evidence, the clinical significance of this variant remains unclear.